The following is an entry in ClinVar:

NM_003764.4(STX11):c.*390T>C

Gene: STX11 (syntaxin 11; plus strand). Cytogenetic location: 6q24.2.
Variant type: single nucleotide variant.
Coding change: c.*390T>C on transcript NM_003764.4 (MANE Select); 390 bases downstream of the stop codon, T replaced by C.
Molecular consequence: 3 prime UTR variant.
Genome position (GRCh38, 1-based): chr6:144,187,881, T>C. VCF-style: chr6-144187881-T-C. GRCh37 (hg19) VCF-style: chr6-144509018-T-C.
Identifiers: ClinVar variation 906901 (VCV000906901.4), dbSNP rs79627238, ClinGen allele CA149824018.

ClinVar aggregate classification (germline): Likely benign (1 of 4 stars; one submission).

Conditions:
Familial hemophagocytic lymphohistiocytosis 4 (FHL4). Also called: STX11-Related Familial Hemophagocytic Lymphohistiocytosis (STX11-fHLH). Identifiers: Orphanet 540, MedGen C1863728, MONDO:0011336, OMIM 603552.

Allele frequency attached by ClinVar (database versions not stated): TOPMed 0.00385; 1000 Genomes Project 0.00399; 1000 Genomes Project 30x 0.00515.
gnomAD v4.1: 626 of 352,514 alleles (0.18%); highest among the groups gnomAD compares: African/African-American, 1.2%; 2 homozygotes.

Submission:

Illumina Laboratory Services, Illumina
Classification: Likely benign for Familial hemophagocytic lymphohistiocytosis 4. Last evaluated: 2018-01-12. Review status: criteria provided, single submitter. Criteria: ICSL Variant Classification Criteria 13 December 2019. Collection method: clinical testing. Allele origin: germline.
Comment: This variant was observed in the ICSL laboratory as part of a predisposition screen in an ostensibly healthy population. It had not been previously curated by ICSL or reported in the Human Gene Mutation Database (HGMD: prior to June 1st, 2018), and was therefore a candidate for classification through an automated scoring system. Utilizing variant allele frequency, disease prevalence and penetrance estimates, and inheritance mode, an automated score was calculated to assess if this variant is too frequent to cause the disease. Based on the score and internal cut-off values, a variant classified as likely benign is not then subjected to further curation. The score for this variant resulted in a classification of likely benign for this disease.